The following is an entry in ClinVar:

ClinVar aggregate classification (germline): Benign. Review status: criteria provided, multiple submitters, no conflicts (2 of 4 stars). 27 submissions from 20 submitters: Benign (23). 4 of the submissions do not count toward it. Last evaluated 2026-02-04.

Conditions:
Cardiovascular phenotype. Identifiers: MedGen CN230736.
Dilated cardiomyopathy 1G (CMD1G). Identifiers: Orphanet 154, MedGen C1858763, MONDO:0011400, OMIM 604145.
Autosomal recessive limb-girdle muscular dystrophy type 2J (LGMDR10). Also called: MUSCULAR DYSTROPHY, LIMB-GIRDLE, AUTOSOMAL RECESSIVE 10; Limb-girdle muscular dystrophy, type 2J. Identifiers: Orphanet 140922, MedGen C1837342, MONDO:0012127, OMIM 608807.
Early-onset myopathy with fatal cardiomyopathy (CMYO5). Also called: CONGENITAL MYOPATHY 5 WITH CARDIOMYOPATHY; Salih Myopathy. Identifiers: Orphanet 289377, MedGen C2673677, MONDO:0012714, OMIM 611705. Disease mechanism: loss of function.
Tibial muscular dystrophy (TMD). Also called: Udd Distal Myopathy – Tibial Muscular Dystrophy; Tibial muscular dystrophy, tardive; UDD MYOPATHY. Identifiers: Orphanet 609, MedGen C1838244, MONDO:0010870, OMIM 600334.
Myopathy, myofibrillar, 9, with early respiratory failure (MFM9). Also called: Myopathy, distal, with early respiratory failure, autosomal dominant; Hereditary myopathy with early respiratory failure; MYOPATHY, PROXIMAL, WITH EARLY RESPIRATORY MUSCLE INVOLVEMENT; EDSTROM MYOPATHY. Identifiers: Orphanet 178464, Orphanet 34521, MedGen C1863599, MONDO:0011362, OMIM 603689.

Allele frequency attached by ClinVar (database versions not stated): gnomAD 0.87248 and 0.87769; 1000 Genomes Project 30x 0.80778; 1000 Genomes Project 0.80891; gnomAD exomes 0.84097 and 0.90411; ESP Exome Variant Server 0.90235; ExAC 0.85117; TOPMed 0.85746.
gnomAD v4.1: 1,454,034 of 1,613,868 alleles (90%); highest among the groups gnomAD compares: Non-Finnish European, 93%; 659,693 homozygotes.

Submissions (27):

Labcorp Genetics (formerly Invitae), Labcorp
Classification: Benign for Dilated cardiomyopathy 1G; Autosomal recessive limb-girdle muscular dystrophy type 2J. Last evaluated: 2026-02-04. Review status: criteria provided, single submitter. Criteria: Invitae Variant Classification Sherloc (09022015). Collection method: clinical testing. Allele origin: germline.

Molecular Diagnostic Laboratory for Inherited Cardiovascular Disease, Montreal Heart Institute
Classification: Benign. Last evaluated: 2025-04-09. Review status: criteria provided, single submitter. Criteria: ACMG Guidelines, 2015. Collection method: clinical testing. Allele origin: germline. Affected: no.

Blueprint Genetics
Classification: Benign. Last evaluated: 2024-11-26. Review status: criteria provided, single submitter. Criteria: ACMG Guidelines, 2015. Collection method: clinical testing. Allele origin: germline.

Genome-Nilou Lab
Classification: Benign for Autosomal recessive limb-girdle muscular dystrophy type 2J. Last evaluated: 2021-09-10. Review status: criteria provided, single submitter. Criteria: ACMG Guidelines, 2015. Collection method: clinical testing. Allele origin: germline. Affected: no.

Genome-Nilou Lab
Classification: Benign for Myopathy, myofibrillar, 9, with early respiratory failure. Last evaluated: 2021-09-10. Review status: criteria provided, single submitter. Criteria: ACMG Guidelines, 2015. Collection method: clinical testing. Allele origin: germline. Affected: no.

Genome-Nilou Lab
Classification: Benign for Early-onset myopathy with fatal cardiomyopathy. Last evaluated: 2021-09-10. Review status: criteria provided, single submitter. Criteria: ACMG Guidelines, 2015. Collection method: clinical testing. Allele origin: germline. Affected: no.

Genome-Nilou Lab
Classification: Benign for Tibial muscular dystrophy. Last evaluated: 2021-09-10. Review status: criteria provided, single submitter. Criteria: ACMG Guidelines, 2015. Collection method: clinical testing. Allele origin: germline. Affected: no.

Women's Health and Genetics/Laboratory Corporation of America, LabCorp
Classification: Benign. Last evaluated: 2019-08-09. Review status: criteria provided, single submitter. Criteria: LabCorp Variant Classification Summary - May 2015. Collection method: clinical testing. Allele origin: germline.

Athena Diagnostics
Classification: Benign. Last evaluated: 2019-01-15. Review status: criteria provided, single submitter. Criteria: Athena Diagnostics Criteria. Collection method: clinical testing. Allele origin: germline.

Illumina Laboratory Services, Illumina
Classification: Benign for Autosomal recessive limb-girdle muscular dystrophy type 2J. Last evaluated: 2018-01-12. Review status: criteria provided, single submitter. Criteria: ICSL Variant Classification Criteria 13 December 2019. Collection method: clinical testing. Allele origin: germline.
Comment: This variant was observed in the ICSL laboratory as part of a predisposition screen in an ostensibly healthy population. It had not been previously curated by ICSL or reported in the Human Gene Mutation Database (HGMD: prior to June 1st, 2018), and was therefore a candidate for classification through an automated scoring system. Utilizing variant allele frequency, disease prevalence and penetrance estimates, and inheritance mode, an automated score was calculated to assess if this variant is too frequent to cause the disease. Based on the score and internal cut-off values, a variant classified as benign is not then subjected to further curation. The score for this variant resulted in a classification of benign for this disease.

Illumina Laboratory Services, Illumina
Classification: Benign for Myopathy, myofibrillar, 9, with early respiratory failure. Last evaluated: 2018-01-12. Review status: criteria provided, single submitter. Criteria: ICSL Variant Classification Criteria 13 December 2019. Collection method: clinical testing. Allele origin: germline.
Comment: the same text as in the submission from Illumina Laboratory Services, Illumina above.

Illumina Laboratory Services, Illumina
Classification: Benign for Dilated cardiomyopathy 1G. Last evaluated: 2018-01-12. Review status: criteria provided, single submitter. Criteria: ICSL Variant Classification Criteria 13 December 2019. Collection method: clinical testing. Allele origin: germline.
Comment: the same text as in the submission from Illumina Laboratory Services, Illumina above.

Illumina Laboratory Services, Illumina
Classification: Benign for Tibial muscular dystrophy. Last evaluated: 2018-01-12. Review status: criteria provided, single submitter. Criteria: ICSL Variant Classification Criteria 13 December 2019. Collection method: clinical testing. Allele origin: germline.
Comment: the same text as in the submission from Illumina Laboratory Services, Illumina above.

Illumina Laboratory Services, Illumina
Classification: Benign for Early-onset myopathy with fatal cardiomyopathy. Last evaluated: 2018-01-12. Review status: criteria provided, single submitter. Criteria: ICSL Variant Classification Criteria 13 December 2019. Collection method: clinical testing. Allele origin: germline.
Comment: the same text as in the submission from Illumina Laboratory Services, Illumina above.

Mayo Clinic Laboratories, Mayo Clinic
Classification: Benign. Last evaluated: 2017-07-21. Review status: criteria provided, single submitter. Criteria: ACMG Guidelines, 2015. Collection method: clinical testing. Allele origin: germline. Observed: 2,374 variant alleles.

Genetic Services Laboratory, University of Chicago
Classification: Benign for AllHighlyPenetrant. Last evaluated: 2013-08-15. Review status: criteria provided, single submitter. Criteria: ACMG Guidelines, 2007. Collection method: clinical testing. Allele origin: germline.

Eurofins Ntd Llc (ga)
Classification: Benign. Last evaluated: 2013-07-30. Review status: criteria provided, single submitter. Criteria: EGL Classification Definitions 2015. Collection method: clinical testing. Allele origin: germline. Observed: 7 variant alleles, 3 heterozygotes, 4 homozygotes.

Biesecker Lab/Clinical Genomics Section, National Institutes of Health
Classification: Benign. Last evaluated: 2013-06-24. Review status: criteria provided, single submitter. Criteria: Ng et al. (Circ Cardiovasc Genet. 2013). Collection method: research. Allele origin: unknown. Observed: 857 variant alleles. Study: ClinSeq.
Comment: The study set was not selected for affection status in relation to any cancer. Pathogenicity categories were based on literature curation. See Pubmed ID:23861362 for details.

Medical sequencing

GeneDx
Classification: Benign. Last evaluated: 2013-01-31. Review status: criteria provided, single submitter. Criteria: GeneDx Variant Classification (06012015). Collection method: clinical testing. Allele origin: germline. Affected: yes.
Comment: This variant is considered likely benign or benign based on one or more of the following criteria: it is a conservative change, it occurs at a poorly conserved position in the protein, it is predicted to be benign by multiple in silico algorithms, and/or has population frequency not consistent with disease.

Ambry Genetics
Classification: Benign for Cardiovascular phenotype. Last evaluated: 2012-07-11. Review status: criteria provided, single submitter. Criteria: Ambry Autosomal Dominant and X-Linked criteria (10/2015). Collection method: clinical testing. Allele origin: germline. Observed: 1 variant allele.

Laboratory for Molecular Medicine, Mass General Brigham Personalized Medicine
Classification: Benign. Last evaluated: 2011-09-16. Review status: criteria provided, single submitter. Criteria: LMM Criteria. Collection method: clinical testing. Allele origin: germline. Observed: 1,858 variant alleles.

Breakthrough Genomics
Classification: Benign. Review status: criteria provided, single submitter. Criteria: ACMG Guidelines, 2015. Collection method: not provided. Allele origin: germline. Inheritance: Autosomal recessive inheritance. Affected: yes.

PreventionGenetics, part of Exact Sciences
Classification: Benign. Review status: criteria provided, single submitter. Criteria: ACMG Guidelines, 2015. Collection method: clinical testing. Allele origin: germline.

Clinical Genetics, Academic Medical Center
Classification: Benign. Review status: no assertion criteria provided. Collection method: clinical testing. Allele origin: germline. Affected: yes. Study: VKGL Data-share Consensus. Not counted in ClinVar's aggregate classification.

Diagnostic Laboratory, Department of Genetics, University Medical Center Groningen
Classification: Benign. Review status: no assertion criteria provided. Collection method: clinical testing. Allele origin: germline. Affected: yes. Study: VKGL Data-share Consensus. Not counted in ClinVar's aggregate classification.

Genome Diagnostics Laboratory, University Medical Center Utrecht
Classification: Benign. Review status: no assertion criteria provided. Collection method: clinical testing. Allele origin: germline. Affected: yes. Study: VKGL Data-share Consensus. Not counted in ClinVar's aggregate classification.

Joint Genome Diagnostic Labs from Nijmegen and Maastricht, Radboudumc and MUMC+
Classification: Benign. Review status: no assertion criteria provided. Collection method: clinical testing. Allele origin: germline. Affected: yes. Study: VKGL Data-share Consensus. Not counted in ClinVar's aggregate classification.

NM_001267550.2(TTN):c.10256G>A (p.Ser3419Asn)

Gene: TTN (titin; minus strand). Cytogenetic location: 2q31.2.
Variant type: single nucleotide variant.
Coding change: c.10256G>A on transcript NM_001267550.2 (MANE Select); coding-DNA position 10256, G replaced by A.
Protein change: p.Ser3419Asn; replaces serine 3419 with asparagine.
Molecular consequence: missense variant.
Genome position (GRCh38, 1-based): chr2:178,759,031, C>T on the plus strand (G>A on the coding strand, the complement: TTN is on the minus strand). VCF-style: chr2-178759031-C-T. GRCh37 (hg19) VCF-style: chr2-179623758-C-T.
Other names: p.S3419N:AGT>AAT; c.10256G>A, p.Ser3419Asn (NM_001256850.1, NM_133378.4, NM_133379.5); c.10118G>A, p.Ser3373Asn (NM_003319.4, NM_133432.3, NM_133437.4); short protein forms S3419N, S3373N.
Identifiers: ClinVar variation 46582 (VCV000046582.41), dbSNP rs2291310, ClinGen allele CA282654.